The following is an entry in ClinVar:

NM_014946.4(SPAST):c.1496G>A (p.Arg499His)

Gene: SPAST (spastin; plus strand). Cytogenetic location: 2p22.3.
Variant type: single nucleotide variant.
Coding change: c.1496G>A on transcript NM_014946.4 (MANE Select); coding-DNA position 1496, G replaced by A.
Protein change: p.Arg499His; replaces arginine 499 with histidine.
Molecular consequence: missense variant.
Genome position (GRCh38, 1-based): chr2:32,141,906, G>A. VCF-style: chr2-32141906-G-A. GRCh37 (hg19) VCF-style: chr2-32366975-G-A.
Other names: c.1493G>A, p.Arg498His (NM_001363823.2); c.1397G>A, p.Arg466His (NM_001363875.2); c.1400G>A, p.Arg467His (NM_001377959.1, NM_199436.2); short protein forms R499H, R498H, R466H, R467H.
Identifiers: ClinVar variation 240950 (VCV000240950.68), dbSNP rs878854991, ClinGen allele CA10581969.

ClinVar aggregate classification (germline): Pathogenic/Likely pathogenic. Review status: criteria provided, multiple submitters, no conflicts (2 of 4 stars). 32 submissions from 32 submitters: Pathogenic (26); Likely pathogenic (2). 4 of the submissions do not count toward it. Last evaluated 2025-12-01.

Conditions:
Abnormal central motor function. Identifiers: MedGen C4023354, HP:0011442.
SPAST-related disorder. Also called: SPAST-related condition.
Inborn genetic diseases. Identifiers: MedGen C0950123, MeSH D030342.
Hereditary spastic paraplegia. Also called: Familial spastic paraparesis. Identifiers: Orphanet 685, MedGen C0037773, MONDO:0019064. Disease mechanism: loss of function.
Hereditary spastic paraplegia 4. Also called: Spastic paraplegia 4, autosomal dominant; Familial spastic paraplegia autosomal dominant 2; Spastic Paraplegia 4. Identifiers: Orphanet 100985, MedGen C1866855, MONDO:0008438, OMIM 182601.

Allele frequency attached by ClinVar (database versions not stated): gnomAD exomes below 0.00001.
gnomAD v4.1: 1 of 1,607,186 alleles (0.000062%); highest among the groups gnomAD compares: Non-Finnish European, 0.000085%; no homozygotes.

Submissions 1 to 7 of 32:

Labcorp Genetics (formerly Invitae), Labcorp
Classification: Pathogenic for Hereditary spastic paraplegia 4. Last evaluated: 2025-12-01. Review status: criteria provided, single submitter. Criteria: Invitae Variant Classification Sherloc (09022015). Collection method: clinical testing. Allele origin: germline.
Comment: This sequence change replaces arginine, which is basic and polar, with histidine, which is basic and polar, at codon 499 of the SPAST protein (p.Arg499His). This variant is not present in population databases (gnomAD no frequency). This missense change has been observed in individual(s) with hereditary spastic paraplegia 4 (PMID: 16009769, 16055926, 16682546, 18701882, 20562464). Invitae Evidence Modeling of clinical and family history, age, sex, and reported ancestry of multiple individuals with this SPAST variant has been performed. This variant is expected to be pathogenic with a positive predictive value of at least 99%. This is a validated machine learning model that incorporates the clinical features of 4,195 individuals referred to our laboratory for SPAST testing. ClinVar contains an entry for this variant (Variation ID: 240950). An algorithm developed to predict the effect of missense changes on protein structure and function (PolyPhen-2) suggests that this variant is likely to be disruptive. This variant disrupts the p.Arg499 amino acid residue in SPAST. Other variant(s) that disrupt this residue have been determined to be pathogenic (PMID: 15095758, 15716377). This suggests that this residue is clinically significant, and that variants that disrupt this residue are likely to be disease-causing. For these reasons, this variant has been classified as Pathogenic.

3billion
Classification: Pathogenic for Hereditary spastic paraplegia 4. Last evaluated: 2025-11-13. Review status: criteria provided, single submitter. Criteria: ACMG Guidelines, 2015. Collection method: clinical testing. Allele origin: germline. Affected: yes.
Comment: The variant is observed at an extremely low frequency in the gnomAD v4.1.0 dataset (total allele frequency: <0.001%). Predicted Consequence/Location: Missense variant In silico tool predictions suggest damaging effect of the variant on gene or gene product [REVEL: 0.99 (>=0.6, sensitivity 0.68 and specificity 0.92); 3Cnet: 0.99 (> 0.75, sensitivity 0.96 and precision 0.92)]. The same nucleotide change resulting in the same amino acid change has been previously reported as pathogenic/likely pathogenic with strong evidence (ClinVar ID: VCV000240950 /PMID: 16009769 /3billion dataset). The variant has been previously reported as de novo in a similarly affected individual (PMID: 29421991). The variant has been observed in multiple (>3) similarly affected unrelated individuals (PMID: 16009769, 16055926, 27260292, 29421991). The variant has been previously reported as assumed (i.e. paternity and maternity not confirmed) de novo in at least one similarly affected unrelated individual (3billion dataset). Different missense changes at the same codon (p.Arg499Cys, p.Arg499Leu) have been reported as pathogenic/likely pathogenic with strong evidence (ClinVar ID: VCV000005660, VCV000801664 /PMID: 10610178, 29980238 /3billion dataset). Therefore, this variant is classified as Pathogenic according to the recommendation of ACMG/AMP guideline.

Dasa
Classification: Pathogenic. Last evaluated: 2025-09-01. Review status: criteria provided, single submitter. Criteria: DASA Assertion Criteria. Collection method: clinical testing. Allele origin: germline.
Comment: NM_014946.4(SPAST):c.1496G>A (p.Arg499His) is a missense variant that results in the substitution of arginine with histidine. The affected residue or protein region has prior evidence supporting clinical relevance. De novo occurrence has been reported in an individual with related phenotype. This variant has been recurrently observed in individuals with related phenotype (PMID: 29421991; PMID: 27260292; PMID: 16009769; PMID: 16055926). Multiple computational predictions support a deleterious effect on the gene or gene product. The variant is present at low frequency in population datasets. Based on the available data, this variant is classified as pathogenic.

Women's Health and Genetics/Laboratory Corporation of America, LabCorp
Classification: Pathogenic for Hereditary spastic paraplegia 4. Last evaluated: 2025-03-19. Review status: criteria provided, single submitter. Criteria: LabCorp Variant Classification Summary - May 2015. Collection method: clinical testing. Allele origin: germline.
Comment: Variant summary: SPAST c.1496G>A (p.Arg499His) results in a non-conservative amino acid change in the encoded protein sequence. Five of five in-silico tools predict a damaging effect of the variant on protein function. Consensus agreement among computation tools predict no significant impact on normal splicing. However, these predictions have yet to be confirmed by functional studies. The frequency data for this variant in gnomAD is considered unreliable, as metrics indicate poor data quality at this position. c.1496G>A has been reported in the literature in individuals affected with Spastic Paraplegia 4, Autosomal Dominant and multiple cases have been reported as de novo (examples: Takezawa_2018, Gillespie_2018, Elliot_2022). These data indicate that the variant is likely to be associated with disease. The following publications have been ascertained in the context of this evaluation (PMID: 29761117, 35599849, 29421991). ClinVar contains an entry for this variant (Variation ID: 240950). Based on the evidence outlined above, the variant was classified as pathogenic.

PreventionGenetics, part of Exact Sciences
Classification: Pathogenic for SPAST-related condition. Last evaluated: 2023-03-10. Review status: criteria provided, single submitter. Criteria: ACMG Guidelines, 2015. Collection method: clinical testing. Allele origin: germline.
Comment: The SPAST c.1496G>A variant is predicted to result in the amino acid substitution p.Arg499His. This variant has not been reported in a large population database, indicating this variant is rare. It has been reported in multiple patients with autosomal dominant spastic paraplegia (Depienne et al. 2006. PubMed ID: 16055926; Shoukier et al. 2009. PubMed ID: 18701882; de Bot et al. 2010. PubMed ID: 20562464; Kim et al. 2014. PubMed ID: 25045380; Polymeris et al. 2016. PubMed ID: 27260292). A different substitution affecting the same amino acid residue (p.Arg499Cys) has also been reported to be pathogenic for autosomal dominant spastic paraplegia (Depienne et al. 2006. PubMed ID: 16055926, Hazan et al. 1999. PubMed ID: 10610178; Evans et al. 2005. PubMed ID: 15716377; Shoukier et al. 2009. PubMed ID: 18701882). Taken together, we interpret the c.1496G>A (p.Arg499His) variant as pathogenic.

Laboratorio de Genetica e Diagnostico Molecular, Hospital Israelita Albert Einstein
Classification: Pathogenic for Hereditary spastic paraplegia 4. Last evaluated: 2022-08-17. Review status: criteria provided, single submitter. Criteria: ACMG Guidelines, 2015. Collection method: clinical testing. Allele origin: germline. Affected: yes. Observed: 1 variant allele.
Comment: ACMG classification criteria: PS3 supporting, PS4 strong, PM1 moderated, PM2 moderated, PM6 moderated, PP3 supporting

GeneDx
Classification: Pathogenic. Last evaluated: 2022-07-28. Review status: criteria provided, single submitter. Criteria: GeneDx Variant Classification Process June 2021. Collection method: clinical testing. Allele origin: germline. Affected: yes.
Comment: In silico analysis supports that this missense variant has a deleterious effect on protein structure/function; Not observed at significant frequency in large population cohorts (gnomAD); This variant is associated with the following publications: (PMID: 27260292, 16009769, 29761117, 29421991, 29980238, 30564185, 31486053, 31157359, 31227335, 30476002, 31216405, 31698101, 31031587, 33098801, 33624935)